The following is an entry in ClinVar:

NM_000090.4(COL3A1):c.4384C>A (p.Pro1462Thr)

Gene: COL3A1 (collagen type III alpha 1 chain; plus strand). Cytogenetic location: 2q32.2.
Variant type: single nucleotide variant.
Coding change: c.4384C>A on transcript NM_000090.4 (MANE Select); coding-DNA position 4384, C replaced by A.
Protein change: p.Pro1462Thr; replaces proline 1462 with threonine.
Molecular consequence: missense variant.
Genome position (GRCh38, 1-based): chr2:189,011,757, C>A. VCF-style: chr2-189011757-C-A. GRCh37 (hg19) VCF-style: chr2-189876483-C-A.
Other names: short protein forms P1462T.
Identifiers: ClinVar variation 1172004 (VCV001172004.7), dbSNP rs1688732943, ClinGen allele CA349850472.

ClinVar aggregate classification (germline): Uncertain significance. Review status: criteria provided, multiple submitters, no conflicts (2 of 4 stars). 5 submissions from 5 submitters: Uncertain significance (5). Last evaluated 2026-03-05.

Conditions:
Ehlers-Danlos syndrome, type 4 (EDSVASC). Also called: Ehlers-Danlos syndrome vascular type; Ehlers Danlos syndrome, ecchymotic type; Ehlers Danlos syndrome, arterial type; Ehlers Danlos syndrome, Sack-Barabas type; Ehlers-Danlos Syndrome Type IV. Identifiers: Orphanet 286, MedGen C0268338, MONDO:0017314, OMIM 130050.
Familial thoracic aortic aneurysm and aortic dissection (TAAD). Also called: Thoracic aortic aneurysms and dissections. Identifiers: Orphanet 91387, MedGen C4707243, MONDO:0019625.

Submissions (5):

GeneDx
Classification: Uncertain significance. Last evaluated: 2026-03-05. Review status: criteria provided, single submitter. Criteria: GeneDx Variant Classification Process June 2021. Collection method: clinical testing. Allele origin: germline.
Comment: Not observed at significant frequency in large population cohorts (gnomAD); In silico analysis supports that this missense variant has a deleterious effect on protein structure/function; Has not been previously published as pathogenic or benign to our knowledge; Also known as p.P1295T; Not located in the triple helical region, where the majority of pathogenic missense variants occur (HGMD)

Ambry Genetics
Classification: Uncertain significance for Familial thoracic aortic aneurysm and aortic dissection. Last evaluated: 2025-12-24. Review status: criteria provided, single submitter. Criteria: Ambry Variant Classification Scheme 2023. Collection method: clinical testing. Allele origin: germline.
Comment: The p.P1462T variant (also known as c.4384C>A), located in coding exon 51 of the COL3A1 gene, results from a C to A substitution at nucleotide position 4384. The proline at codon 1462 is replaced by threonine, an amino acid with highly similar properties. This amino acid position is conserved. In addition, this alteration is predicted to be deleterious by in silico analysis. Based on the available evidence, the clinical significance of this variant remains unclear.

Labcorp Genetics (formerly Invitae), Labcorp
Classification: Uncertain significance for Ehlers-Danlos syndrome, type 4. Last evaluated: 2025-11-22. Review status: criteria provided, single submitter. Criteria: Invitae Variant Classification Sherloc (09022015). Collection method: clinical testing. Allele origin: germline.
Comment: This sequence change replaces proline, which is neutral and non-polar, with threonine, which is neutral and polar, at codon 1462 of the COL3A1 protein (p.Pro1462Thr). This variant is not present in population databases (gnomAD no frequency). This variant has not been reported in the literature in individuals affected with COL3A1-related conditions. ClinVar contains an entry for this variant (Variation ID: 1172004). Invitae Evidence Modeling of protein sequence and biophysical properties (such as structural, functional, and spatial information, amino acid conservation, physicochemical variation, residue mobility, and thermodynamic stability) indicates that this missense variant is not expected to disrupt COL3A1 protein function with a negative predictive value of 95%. In summary, the available evidence is currently insufficient to determine the role of this variant in disease. Therefore, it has been classified as a Variant of Uncertain Significance.

Color Diagnostics, LLC DBA Color Health
Classification: Uncertain significance for Familial thoracic aortic aneurysm and aortic dissection. Last evaluated: 2024-03-07. Review status: criteria provided, single submitter. Criteria: ACMG Guidelines, 2015. Collection method: clinical testing. Allele origin: germline.
Comment: This missense variant replaces proline with threonine at codon 1462 of the COL3A1 protein. Computational prediction suggests that this variant may have deleterious impact on protein structure and function (internally defined REVEL score threshold >= 0.7, PMID: 27666373). To our knowledge, functional studies have not been reported for this variant. This variant has not been reported in individuals affected with cardiovascular disorders in the literature. This variant has not been identified in the general population by the Genome Aggregation Database (gnomAD). The available evidence is insufficient to determine the role of this variant in disease conclusively. Therefore, this variant is classified as a Variant of Uncertain Significance.

All of Us Research Program, National Institutes of Health
Classification: Uncertain significance for Ehlers-Danlos syndrome, type 4. Last evaluated: 2023-08-14. Review status: criteria provided, single submitter. Criteria: ACMG Guidelines, 2015. Collection method: clinical testing. Allele origin: germline. Inheritance: Autosomal dominant inheritance. Observed: 1 variant allele, 1 heterozygote.
Comment: This missense variant replaces proline with threonine at codon 1462 of the COL3A1 protein. Computational prediction suggests that this variant may have deleterious impact on protein structure and function (internally defined REVEL score threshold >= 0.7, PMID: 27666373). To our knowledge, functional studies have not been reported for this variant. This variant has not been reported in individuals affected with cardiovascular disorders in the literature. This variant has not been identified in the general population by the Genome Aggregation Database (gnomAD). The available evidence is insufficient to determine the role of this variant in disease conclusively. Therefore, this variant is classified as a Variant of Uncertain Significance.

This study involves interpretation of variants in research participants for the purpose of population health screening. Participant phenotype was not available at the time of variant classification. Additional details can be found in publication PMID: 35346344, PMCID: PMC8962531